The following is an entry in ClinVar:

ClinVar aggregate classification (germline): Uncertain significance (1 of 4 stars; one submission).

Submission:

Labcorp Genetics (formerly Invitae), Labcorp
Classification: Uncertain significance. Last evaluated: 2023-11-22. Review status: criteria provided, single submitter. Criteria: Invitae Variant Classification Sherloc (09022015). Collection method: clinical testing. Allele origin: germline.
Comment: This variant results in a copy number gain of the genomic region encompassing exon(s) 22-36 of the TOP2B gene. This region includes the termination codon of the gene. This copy number gain extends beyond the assayed region for this gene and therefore may encompass additional genes. As the precise location of this event is unknown, it may be in tandem or it may be located elsewhere in the genome. This variant has not been reported in the literature in individuals affected with TOP2B-related conditions. In summary, the available evidence is currently insufficient to determine the role of this variant in disease. Therefore, it has been classified as a Variant of Uncertain Significance.

NC_000003.11:g.(?_25611229)_(25662327_?)dup

Genes: RARB (retinoic acid receptor beta; plus strand), TOP2B (DNA topoisomerase II beta; minus strand). Cytogenetic location: 3p24.2.
Variant type: Duplication.
Identifiers: ClinVar variation 2423594 (VCV002423594.4).